The following is an entry in ClinVar:

ClinVar aggregate classification (germline): Likely benign (1 of 4 stars; one submission).

gnomAD v4.1: 104 of 1,613,260 alleles (0.0064%); highest among the groups gnomAD compares: Middle Eastern, 0.016%; no homozygotes.

Submission:

CeGaT Center for Human Genetics Tuebingen
Classification: Likely benign. Last evaluated: 2026-06-01. Review status: criteria provided, single submitter. Criteria: CeGaT Center For Human Genetics Tuebingen Variant Classification Criteria Version 2. Collection method: clinical testing. Allele origin: germline. Affected: yes. Observed: 2 variant alleles.
Comment: KDM4B: BP4, BP7

NM_015015.3(KDM4B):c.762C>T (p.Tyr254=)

Gene: KDM4B (lysine demethylase 4B; plus strand). Cytogenetic location: 19p13.3.
Variant type: single nucleotide variant.
Coding change: c.762C>T on transcript NM_015015.3 (MANE Select); coding-DNA position 762, C replaced by T.
Protein change: p.Tyr254=; no amino-acid change (tyrosine 254 retained).
Molecular consequence: synonymous variant.
Genome position (GRCh38, 1-based): chr19:5,077,452, C>T. VCF-style: chr19-5077452-C-T. GRCh37 (hg19) VCF-style: chr19-5077463-C-T.
Other names: c.762C>T, p.Tyr254= (NM_001370093.1, NM_001370094.1, NM_001411148.1).
Identifiers: ClinVar variation 3771099 (VCV003771099.13).